The following is an entry in ClinVar:

ClinVar aggregate classification (germline): Uncertain significance. Review status: criteria provided, multiple submitters, no conflicts (2 of 4 stars). 3 submissions from 3 submitters: Uncertain significance (2). 1 of the submissions does not count toward it. Last evaluated 2026-01-21.

Conditions:
Retinal dystrophy. Also called: Inherited retinal dystrophy. Identifiers: Orphanet 71862, MedGen C0854723, MeSH D058499, MONDO:0019118, HP:0000556.
Retinitis pigmentosa (RP). Identifiers: Orphanet 791, MedGen C0035334, MeSH D012174, MONDO:0019200, OMIM 268000. Inheritance: Autosomal dominant, autosomal recessive and X linked inheritance.

Allele frequency attached by ClinVar (database versions not stated): ExAC 0.00029; gnomAD exomes 0.00032 and 0.00064; TOPMed 0.00043; gnomAD 0.00047 and 0.00048; ESP Exome Variant Server 0.00085.
gnomAD v4.1: 989 of 1,608,148 alleles (0.061%); highest among the groups gnomAD compares: Non-Finnish European, 0.08%; no homozygotes.

Submissions (3):

Labcorp Genetics (formerly Invitae), Labcorp
Classification: Uncertain significance. Last evaluated: 2026-01-21. Review status: criteria provided, single submitter. Criteria: Invitae Variant Classification Sherloc (09022015). Collection method: clinical testing. Allele origin: germline.
Comment: This sequence change replaces leucine, which is neutral and non-polar, with phenylalanine, which is neutral and non-polar, at codon 798 of the ADGRA3 protein (p.Leu798Phe). This variant is present in population databases (rs149451001, gnomAD 0.07%), and has an allele count higher than expected for a pathogenic variant. This variant has not been reported in the literature in individuals affected with ADGRA3-related conditions. ClinVar contains an entry for this variant (Variation ID: 636172). An algorithm developed to predict the effect of missense changes on protein structure and function (PolyPhen-2) suggests that this variant is likely to be disruptive. In summary, the available evidence is currently insufficient to determine the role of this variant in disease. Therefore, it has been classified as a Variant of Uncertain Significance.

Institute of Human Genetics, Univ. Regensburg, Univ. Regensburg
Classification: Uncertain significance for Retinal dystrophy. Last evaluated: 2022-01-01. Review status: criteria provided, single submitter. Criteria: ACMG Guidelines, 2015. Collection method: clinical testing. Allele origin: germline. Affected: yes.

Department of Clinical Genetics, Copenhagen University Hospital, Rigshospitalet
Classification: Likely pathogenic for Retinitis pigmentosa. Last evaluated: 2018-04-01. Review status: no assertion criteria provided. Collection method: research. Allele origin: unknown. Affected: yes. Study: VeluxRD. Not counted in ClinVar's aggregate classification.

Literature cited by the submitters: PubMed 30718709 (cited by Institute of Human Genetics, Univ. Regensburg, Univ. Regensburg and Department of Clinical Genetics, Copenhagen University Hospital, Rigshospitalet).

NM_145290.4(ADGRA3):c.2392C>T (p.Leu798Phe)

Gene: ADGRA3 (adhesion G protein-coupled receptor A3; minus strand). Cytogenetic location: 4p15.2.
Variant type: single nucleotide variant.
Coding change: c.2392C>T on transcript NM_145290.4 (MANE Select); coding-DNA position 2392, C replaced by T.
Protein change: p.Leu798Phe; replaces leucine 798 with phenylalanine.
Molecular consequence: missense variant.
Genome position (GRCh38, 1-based): chr4:22,401,520, G>A on the plus strand (C>T on the coding strand, the complement: ADGRA3 is on the minus strand). VCF-style: chr4-22401520-G-A. GRCh37 (hg19) VCF-style: chr4-22403143-G-A.
Other names: short protein forms L798F.
Identifiers: ClinVar variation 636172 (VCV000636172.10), dbSNP rs149451001, ClinGen allele CA2873644.